The following is an entry in ClinVar:

NM_004655.4(AXIN2):c.358A>G (p.Met120Val)

Gene: AXIN2 (axin 2; minus strand). Cytogenetic location: 17q24.1.
Variant type: single nucleotide variant.
Coding change: c.358A>G on transcript NM_004655.4 (MANE Select); coding-DNA position 358, A replaced by G.
Protein change: p.Met120Val; replaces methionine 120 with valine.
Molecular consequence: missense variant.
Genome position (GRCh38, 1-based): chr17:65,558,263, T>C on the plus strand (A>G on the coding strand, the complement: AXIN2 is on the minus strand). VCF-style: chr17-65558263-T-C. GRCh37 (hg19) VCF-style: chr17-63554381-T-C.
Other names: c.358A>G, p.Met120Val (NM_001363813.1); short protein forms M120V.
Identifiers: ClinVar variation 3258170 (VCV003258170.1).
Genomic context (GRCh38, chr17:65,558,263, plus strand): 5'-CAATGTACCTTTTGTAGATCGCTTTGGCTACTCGTAAAGTTTTGGTATCCTTCAGGTTCA[T>C]CTGCCTGAATCCATTGCAGGCAAACCAGAAGTCTAAGGTATCCACGCATTTCTCCCTCTC-3'
Protein context (NP_004646.3, residues 110-130): FWFACNGFRQ[Met120Val]NLKDTKTLRV

ClinVar aggregate classification (germline): Uncertain significance (1 of 4 stars; one submission).

Conditions:
Hereditary cancer-predisposing syndrome. Also called: Hereditary Cancer Syndrome; Tumor predisposition; Hereditary neoplastic syndrome; Neoplastic Syndromes, Hereditary. Identifiers: Orphanet 140162, MedGen C0027672, MeSH D009386, MONDO:0015356.

Submission:

Ambry Genetics
Classification: Uncertain significance for Hereditary cancer-predisposing syndrome. Last evaluated: 2024-05-16. Review status: criteria provided, single submitter. Criteria: Ambry Variant Classification Scheme 2023. Collection method: clinical testing. Allele origin: germline.
Comment: The p.M120V variant (also known as c.358A>G), located in coding exon 1 of the AXIN2 gene, results from an A to G substitution at nucleotide position 358. The methionine at codon 120 is replaced by valine, an amino acid with highly similar properties. This amino acid position is conserved. In addition, this alteration is predicted to be tolerated by in silico analysis. Based on the available evidence, the clinical significance of this variant remains unclear.